The following is an entry in ClinVar:

NM_000552.5(VWF):c.5136T>A (p.Ser1712Arg)

Gene: VWF (von Willebrand factor; minus strand). Cytogenetic location: 12p13.31.
Variant type: single nucleotide variant.
Coding change: c.5136T>A on transcript NM_000552.5 (MANE Select); coding-DNA position 5136, T replaced by A.
Protein change: p.Ser1712Arg; replaces serine 1712 with arginine.
Molecular consequence: missense variant.
Genome position (GRCh38, 1-based): chr12:6,016,788, A>T on the plus strand (T>A on the coding strand, the complement: VWF is on the minus strand). VCF-style: chr12-6016788-A-T. GRCh37 (hg19) VCF-style: chr12-6125954-A-T.
Other names: short protein forms S1712R.
Identifiers: ClinVar variation 2388136 (VCV002388136.4), dbSNP rs780181623, ClinGen allele CA6402384.

ClinVar aggregate classification (germline): Uncertain significance. Review status: criteria provided, multiple submitters, no conflicts (2 of 4 stars). 2 submissions from 2 submitters: Uncertain significance (2). Last evaluated 2025-12-10.

Conditions:
Inborn genetic diseases. Identifiers: MedGen C0950123, MeSH D030342.

Allele frequency attached by ClinVar (database versions not stated): gnomAD exomes 0.00006; TOPMed 0.00003; ExAC 0.00002; gnomAD 0.00001.
gnomAD v4.1: 84 of 1,613,936 alleles (0.0052%); highest among the groups gnomAD compares: Non-Finnish European, 0.0066%; no homozygotes.

Submissions (2):

Ambry Genetics
Classification: Uncertain significance for Inborn genetic diseases. Last evaluated: 2025-12-10. Review status: criteria provided, single submitter. Criteria: Ambry Variant Classification Scheme 2023. Collection method: clinical testing. Allele origin: germline.

ARUP Laboratories, Molecular Genetics and Genomics, ARUP Laboratories
Classification: Uncertain significance. Last evaluated: 2024-05-13. Review status: criteria provided, single submitter. Criteria: ARUP Molecular Germline Variant Investigation Process 2024. Collection method: clinical testing. Allele origin: germline.
Comment: The VWF c.5136T>A; p.Ser1712Arg variant (rs780181623), to our knowledge, is not reported in the medical literature but is reported in ClinVar (Variation ID: 2388136). This variant is found in the general population with an overall allele frequency of 0.002% (6/251446 alleles) in the Genome Aggregation Database (v2.1.1). Computational analyses are uncertain whether this variant is neutral or deleterious (REVEL: 0.32). Due to limited information, the clinical significance of this variant is uncertain at this time.